The following is an entry in ClinVar:

NM_001848.3(COL6A1):c.1782C>T (p.Cys594=)

Gene: COL6A1 (collagen type VI alpha 1 chain; plus strand). Cytogenetic location: 21q22.3.
Variant type: single nucleotide variant.
Coding change: c.1782C>T on transcript NM_001848.3 (MANE Select); coding-DNA position 1782, C replaced by T.
Protein change: p.Cys594=; no amino-acid change (cysteine 594 retained).
Molecular consequence: synonymous variant.
Genome position (GRCh38, 1-based): chr21:46,000,336, C>T. VCF-style: chr21-46000336-C-T. GRCh37 (hg19) VCF-style: chr21-47420250-C-T.
Identifiers: ClinVar variation 388036 (VCV000388036.35), dbSNP rs745847824, ClinGen allele CA10070571.

ClinVar aggregate classification (germline): Conflicting classifications of pathogenicity. Review status: criteria provided, conflicting classifications (1 of 4 stars). 4 submissions from 4 submitters: Uncertain significance (1); Benign (1); Likely benign (2). Last evaluated 2024-02-01.

Conditions:
Bethlem myopathy 1A. Also called: Bethlem Muscular Dystrophy; Bethlem myopathy 1; MYOPATHY, BENIGN CONGENITAL, WITH CONTRACTURES. Identifiers: Orphanet 610, MedGen CN029274, MONDO:0024530, OMIM 158810.

Allele frequency attached by ClinVar (database versions not stated): gnomAD 0.00001 and 0.00002; ExAC 0.00002; gnomAD exomes 0.00003; TOPMed 0.00004.
gnomAD v4.1: 27 of 1,613,810 alleles (0.0017%); highest among the groups gnomAD compares: Admixed American, 0.0083%; no homozygotes.

Submissions (4):

CeGaT Center for Human Genetics Tuebingen
Classification: Likely benign. Last evaluated: 2024-02-01. Review status: criteria provided, single submitter. Criteria: CeGaT Center For Human Genetics Tuebingen Variant Classification Criteria Version 2. Collection method: clinical testing. Allele origin: germline. Affected: yes. Observed: 1 variant allele.
Comment: COL6A1: BP4, BP7

Labcorp Genetics (formerly Invitae), Labcorp
Classification: Benign for Bethlem myopathy 1A. Last evaluated: 2023-05-16. Review status: criteria provided, single submitter. Criteria: Invitae Variant Classification Sherloc (09022015). Collection method: clinical testing. Allele origin: germline.

Eurofins Ntd Llc (ga)
Classification: Uncertain significance. Last evaluated: 2017-06-20. Review status: criteria provided, single submitter. Criteria: EGL Classification Definitions 2015. Collection method: clinical testing. Allele origin: germline. Observed: 1 variant allele, 1 heterozygote.

GeneDx
Classification: Likely benign. Last evaluated: 2016-08-05. Review status: criteria provided, single submitter. Criteria: GeneDx Variant Classification (06012015). Collection method: clinical testing. Allele origin: germline. Affected: yes.
Comment: This variant is considered likely benign or benign based on one or more of the following criteria: it is a conservative change, it occurs at a poorly conserved position in the protein, it is predicted to be benign by multiple in silico algorithms, and/or has population frequency not consistent with disease.